The following is an entry in ClinVar:

ClinVar aggregate classification (germline): Likely pathogenic (1 of 4 stars; one submission).

Conditions:
Cone-rod dystrophy and hearing loss 2 (CRDHL2). Identifiers: MedGen C5193051, MONDO:0020780, OMIM 618358.

Submission:

Juno Genomics, Hangzhou Juno Genomics, Inc
Classification: Likely pathogenic for Cone-rod dystrophy and hearing loss 2. Review status: criteria provided, single submitter. Criteria: ACMG Guidelines, 2015. Collection method: clinical testing. Allele origin: germline.
Comment: Null variant in a gene where loss of function (LOF) is a known mechanism of disease.;Absent from controls (or at extremely low frequency if recessive) in Genome Aggregation Database.

NM_007186.6(CEP250):c.1210-2A>G

Genes: CEP250 (centrosomal protein 250; plus strand), CEP250-AS1 (CEP250 antisense RNA 1; minus strand). Cytogenetic location: 20q11.22.
Variant type: single nucleotide variant.
Coding change: c.1210-2A>G on transcript NM_007186.6 (MANE Select); the canonical splice acceptor site of the intron before coding-DNA position 1210, A replaced by G.
Molecular consequence: splice acceptor variant. On other transcripts: non-coding transcript variant (7).
Genome position (GRCh38, 1-based): chr20:35,473,372, A>G. VCF-style: chr20-35473372-A-G. GRCh37 (hg19) VCF-style: chr20-34061197-A-G.
Other names: c.-690-2A>G (NM_001318219.1).
Identifiers: ClinVar variation 5006373 (VCV005006373.2).
Genomic context (GRCh38, chr20:35,473,372, plus strand): 5'-GGTTCTGACATCCCTCCTTTGCCCTTGTTCATCATCTGGTTTCTCTTGCTCTCTCTCCAC[A>G]GGACCTAAGGCAGCAGCTTGCAGGCTGTCAAGAGGCTGTGAACTTGTTGCAACAGCAGCA-3'